The following is an entry in ClinVar:

NM_001394372.1(BICRA):c.4549C>G (p.Arg1517Gly)

Gene: BICRA (BRD4 interacting chromatin remodeling complex associated protein; plus strand). Cytogenetic location: 19q13.33.
Variant type: single nucleotide variant.
Coding change: c.4549C>G on transcript NM_001394372.1 (MANE Select); coding-DNA position 4549, C replaced by G.
Protein change: p.Arg1517Gly; replaces arginine 1517 with glycine.
Molecular consequence: missense variant.
Genome position (GRCh38, 1-based): chr19:47,702,281, C>G. VCF-style: chr19-47702281-C-G. GRCh37 (hg19) VCF-style: chr19-48205538-C-G.
Other names: c.4549C>G, p.Arg1517Gly (NM_015711.3); short protein forms R1517G.
Identifiers: ClinVar variation 4822826 (VCV004822826.4).
Genomic context (GRCh38, chr19:47,702,281, plus strand): 5'-CTCACCGAGCACCTGCAGAGCGCCATCGACAGCATCCTGAACCTGCAGCAGGCCCCCGGC[C>G]GGACGCCCGCGCCCTCGTACCCCCACGCTGCCTCGGCCGGCACCCCCGCATCCCCGCCGC-3'
Protein context (NP_001381301.1, residues 1507-1527): SILNLQQAPG[Arg1517Gly]TPAPSYPHAA

ClinVar aggregate classification (germline): Uncertain significance (1 of 4 stars; one submission).

gnomAD v4.1: 3 of 1,594,490 alleles (0.00019%); highest among the groups gnomAD compares: Admixed American, 0.005%; no homozygotes.

Submission:

CeGaT Center for Human Genetics Tuebingen
Classification: Uncertain significance. Last evaluated: 2026-01-01. Review status: criteria provided, single submitter. Criteria: CeGaT Center For Human Genetics Tuebingen Variant Classification Criteria Version 2. Collection method: clinical testing. Allele origin: germline. Affected: yes. Observed: 1 variant allele.
Comment: BICRA: PM2